The following is an entry in ClinVar:

NM_006767.4(LZTR1):c.2218C>G (p.Leu740Val)

Gene: LZTR1 (leucine zipper like post translational regulator 1; plus strand). Cytogenetic location: 22q11.21.
Variant type: single nucleotide variant.
Coding change: c.2218C>G on transcript NM_006767.4 (MANE Select); coding-DNA position 2218, C replaced by G.
Protein change: p.Leu740Val; replaces leucine 740 with valine.
Molecular consequence: missense variant.
Genome position (GRCh38, 1-based): chr22:20,996,111, C>G. VCF-style: chr22-20996111-C-G. GRCh37 (hg19) VCF-style: chr22-21350400-C-G.
Other names: c.2218C>G (NM_006767.3); short protein forms L740V.
Identifiers: ClinVar variation 1418503 (VCV001418503.9), dbSNP rs1569158109, ClinGen allele CA410780059.

ClinVar aggregate classification (germline): Uncertain significance. Review status: criteria provided, multiple submitters, no conflicts (2 of 4 stars). 2 submissions from 2 submitters: Uncertain significance (2). Last evaluated 2025-07-22.

Conditions:
Hereditary cancer-predisposing syndrome. Also called: Hereditary Cancer Syndrome; Tumor predisposition; Hereditary neoplastic syndrome; Neoplastic Syndromes, Hereditary. Identifiers: Orphanet 140162, MedGen C0027672, MeSH D009386, MONDO:0015356.
Cardiovascular phenotype. Identifiers: MedGen CN230736.

Allele frequency attached by ClinVar (database versions not stated): gnomAD exomes below 0.00001 and 0.00001.
gnomAD v4.1: 1 of 1,611,862 alleles (0.000062%); highest among the groups gnomAD compares: Non-Finnish European, 0.000085%; no homozygotes.

Submissions (2):

Ambry Genetics
Classification: Uncertain significance for Cardiovascular phenotype; Hereditary cancer-predisposing syndrome. Last evaluated: 2025-07-22. Review status: criteria provided, single submitter. Criteria: Ambry Variant Classification Scheme 2023. Collection method: clinical testing. Allele origin: germline.
Comment: The p.L740V variant (also known as c.2218C>G), located in coding exon 18 of the LZTR1 gene, results from a C to G substitution at nucleotide position 2218. The leucine at codon 740 is replaced by valine, an amino acid with highly similar properties. This amino acid position is highly conserved in available vertebrate species. In addition, the in silico prediction for this alteration is inconclusive. Based on the available evidence, the clinical significance of this variant remains unclear.

Labcorp Genetics (formerly Invitae), Labcorp
Classification: Uncertain significance. Last evaluated: 2023-12-11. Review status: criteria provided, single submitter. Criteria: Invitae Variant Classification Sherloc (09022015). Collection method: clinical testing. Allele origin: germline.
Comment: This sequence change replaces leucine, which is neutral and non-polar, with valine, which is neutral and non-polar, at codon 740 of the LZTR1 protein (p.Leu740Val). This variant is not present in population databases (gnomAD no frequency). This variant has not been reported in the literature in individuals affected with LZTR1-related conditions. ClinVar contains an entry for this variant (Variation ID: 1418503). An algorithm developed to predict the effect of missense changes on protein structure and function (PolyPhen-2) suggests that this variant is likely to be disruptive. Algorithms developed to predict the effect of sequence changes on RNA splicing suggest that this variant may create or strengthen a splice site. In summary, the available evidence is currently insufficient to determine the role of this variant in disease. Therefore, it has been classified as a Variant of Uncertain Significance.